The following is an entry in ClinVar:

NM_005909.5(MAP1B):c.1303C>T (p.Gln435Ter)

Gene: MAP1B (microtubule associated protein 1B; plus strand). Cytogenetic location: 5q13.2.
Variant type: single nucleotide variant.
Coding change: c.1303C>T on transcript NM_005909.5 (MANE Select); coding-DNA position 1303, C replaced by T.
Protein change: p.Gln435Ter; replaces glutamine 435 with a stop codon.
Molecular consequence: nonsense.
Genome position (GRCh38, 1-based): chr5:72,194,658, C>T. VCF-style: chr5-72194658-C-T. GRCh37 (hg19) VCF-style: chr5-71490485-C-T.
Other names: c.925C>T, p.Gln309Ter (NM_001324255.2); short protein forms Q309*, Q435*.
Identifiers: ClinVar variation 1307967 (VCV001307967.2), dbSNP rs1747106691, ClinGen allele CA359997899.

ClinVar aggregate classification (germline): Uncertain significance (1 of 4 stars; one submission).

Submission:

GeneDx
Classification: Uncertain significance. Last evaluated: 2019-08-28. Review status: criteria provided, single submitter. Criteria: GeneDx Variant Classification Process June 2021. Collection method: clinical testing. Allele origin: germline. Affected: yes.
Comment: Not observed in large population cohorts (Lek et al., 2016); Nonsense variant predicted to result in protein truncation or nonsense mediated decay in a gene for which loss-of-function is not a known mechanism of disease; Has not been previously published as pathogenic or benign to our knowledge; Variants in candidate genes are classified as variants of uncertain significance in accordance with ACMG guidelines (Richards et al., 2015)